The following is an entry in ClinVar:

ClinVar aggregate classification (germline): Uncertain significance. Review status: criteria provided, single submitter (1 of 4 stars). 2 submissions from 2 submitters: Uncertain significance (1). 1 of the submissions does not count toward it. Last evaluated 2020-09-23.

Conditions:
Cohen syndrome (COH1). Also called: PEPPER SYNDROME; Cutis verticis gyrata, retinitis pigmentosa, and sensorineural deafness. Identifiers: Orphanet 193, MedGen C0265223, MONDO:0008999, OMIM 216550.

Allele frequency attached by ClinVar (database versions not stated): gnomAD exomes below 0.00001 and 0.00001; TOPMed below 0.00001; gnomAD 0.00001.
gnomAD v4.1: 9 of 1,613,614 alleles (0.00056%); highest among the groups gnomAD compares: Non-Finnish European, 0.00076%; no homozygotes.

Submissions (2):

Labcorp Genetics (formerly Invitae), Labcorp
Classification: Uncertain significance for Cohen syndrome. Last evaluated: 2020-09-23. Review status: criteria provided, single submitter. Criteria: Invitae Variant Classification Sherloc (09022015). Collection method: clinical testing. Allele origin: germline.
Comment: This sequence change replaces threonine with alanine at codon 641 of the VPS13B protein (p.Thr641Ala). The threonine residue is weakly conserved and there is a small physicochemical difference between threonine and alanine. This variant is not present in population databases (ExAC no frequency). This variant has not been reported in the literature in individuals with VPS13B-related conditions. Algorithms developed to predict the effect of missense changes on protein structure and function are either unavailable or do not agree on the potential impact of this missense change (SIFT: Not Available; PolyPhen-2: Possibly Damaging; Align-GVGD: Not Available). In summary, the available evidence is currently insufficient to determine the role of this variant in disease. Therefore, it has been classified as a Variant of Uncertain Significance.

Natera, Inc.
Classification: Uncertain significance for Cohen syndrome. Last evaluated: 2021-08-11. Review status: no assertion criteria provided. Collection method: clinical testing. Allele origin: germline. Not counted in ClinVar's aggregate classification.

NM_152564.5(VPS13B):c.1921A>G (p.Thr641Ala)

Gene: VPS13B (vacuolar protein sorting 13 homolog B; plus strand). Cytogenetic location: 8q22.2.
Variant type: single nucleotide variant.
Coding change: c.1921A>G on transcript NM_152564.5 (MANE Select); coding-DNA position 1921, A replaced by G.
Protein change: p.Thr641Ala; replaces threonine 641 with alanine.
Molecular consequence: missense variant.
Genome position (GRCh38, 1-based): chr8:99,147,918, A>G. VCF-style: chr8-99147918-A-G. GRCh37 (hg19) VCF-style: chr8-100160146-A-G.
Other names: c.1921A>G, p.Thr641Ala (NM_015243.3, NM_017890.5); short protein forms T641A.
Identifiers: ClinVar variation 1059849 (VCV001059849.4), dbSNP rs891182271, ClinGen allele CA182901565.
Genomic context (GRCh38, chr8:99,147,918, plus strand): 5'-GAAACAATACTGAATCCTGAAGAGGTGGCTCTTCTGGAGGAATATATTCCTACTCGACAT[A>G]CAAGTGTTACTCTCCTCAAATGTACCTGCACAATTTCCATGGCTGAATTCAACTTGCTGG-3'
Protein context (NP_689777.3, residues 631-651): LLEEYIPTRH[Thr641Ala]SVTLLKCTCT